The following is an entry in ClinVar:

NM_000051.4(ATM):c.8474A>G (p.Gln2825Arg)

Genes: ATM (ATM serine/threonine kinase; plus strand), C11orf65 (chromosome 11 open reading frame 65; minus strand). Cytogenetic location: 11q22.3.
Variant type: single nucleotide variant.
Coding change: c.8474A>G on transcript NM_000051.4 (MANE Select); coding-DNA position 8474, A replaced by G.
Protein change: p.Gln2825Arg; replaces glutamine 2825 with arginine.
Molecular consequence: missense variant. On other transcripts: intron variant (2).
Genome position (GRCh38, 1-based): chr11:108,345,798, A>G. VCF-style: chr11-108345798-A-G. GRCh37 (hg19) VCF-style: chr11-108216525-A-G.
Other names: c.8474A>G, p.Gln2825Arg (NM_001351834.2); c.641-36727T>C (NM_001330368.2); c.695-10506T>C (NM_001351110.2); short protein forms Q2825R.
Identifiers: ClinVar variation 490735 (VCV000490735.17), dbSNP rs1555138094, ClinGen allele CA382518009.

ClinVar aggregate classification (germline): Uncertain significance. Review status: criteria provided, multiple submitters, no conflicts (2 of 4 stars). 5 submissions from 5 submitters: Uncertain significance (5). Last evaluated 2025-08-03.

Conditions:
Hereditary cancer-predisposing syndrome. Also called: Hereditary Cancer Syndrome; Neoplastic Syndromes, Hereditary; Tumor predisposition; Hereditary neoplastic syndrome. Identifiers: Orphanet 140162, MedGen C0027672, MeSH D009386, MONDO:0015356.
Ataxia-telangiectasia syndrome (AT). Also called: Cerebello-oculocutaneous telangiectasia; Immunodeficiency with ataxia telangiectasia; Ataxia-telangiectasia, complementation group E; Ataxia-telangiectasia, complementation group D; AT, COMPLEMENTATION GROUP C; ATAXIA-TELANGIECTASIA, COMPLEMENTATION GROUP A. Identifiers: Orphanet 100, MedGen C0004135, MONDO:0008840, OMIM 208900.

Allele frequency attached by ClinVar (database versions not stated): gnomAD exomes below 0.00001.
gnomAD v4.1: 1 of 1,613,900 alleles (0.000062%); highest among the groups gnomAD compares: Non-Finnish European, 0.000085%; no homozygotes.

Submissions (5):

Labcorp Genetics (formerly Invitae), Labcorp
Classification: Uncertain significance for Ataxia-telangiectasia syndrome. Last evaluated: 2025-08-03. Review status: criteria provided, single submitter. Criteria: Invitae Variant Classification Sherloc (09022015). Collection method: clinical testing. Allele origin: germline.
Comment: This sequence change replaces glutamine, which is neutral and polar, with arginine, which is basic and polar, at codon 2825 of the ATM protein (p.Gln2825Arg). This variant is not present in population databases (gnomAD no frequency). This variant has not been reported in the literature in individuals affected with ATM-related conditions. ClinVar contains an entry for this variant (Variation ID: 490735). Invitae Evidence Modeling of protein sequence and biophysical properties (such as structural, functional, and spatial information, amino acid conservation, physicochemical variation, residue mobility, and thermodynamic stability) indicates that this missense variant is not expected to disrupt ATM protein function with a negative predictive value of 95%. In summary, the available evidence is currently insufficient to determine the role of this variant in disease. Therefore, it has been classified as a Variant of Uncertain Significance.

Quest Diagnostics Nichols Institute San Juan Capistrano
Classification: Uncertain significance. Last evaluated: 2024-11-03. Review status: criteria provided, single submitter. Criteria: Quest Diagnostics criteria. Collection method: clinical testing. Allele origin: unknown.
Comment: The ATM c.8474A>G (p.Gln2825Arg) variant has not been reported in individuals with ATM-related conditions in the published literature. It also has not been reported in large, multi-ethnic general populations (Genome Aggregation Database). Analysis of this variant using bioinformatics tools for the prediction of the effect of amino acid changes on protein structure and function yielded predictions that this variant is benign. Based on the available information, we are unable to determine the clinical significance of this variant.

Blueprint Genetics
Classification: Uncertain significance. Last evaluated: 2023-12-20. Review status: criteria provided, single submitter. Criteria: ACMG Guidelines, 2015. Collection method: clinical testing. Allele origin: germline.

Ambry Genetics
Classification: Uncertain significance for Hereditary cancer-predisposing syndrome. Last evaluated: 2023-12-16. Review status: criteria provided, single submitter. Criteria: Ambry Variant Classification Scheme 2023. Collection method: clinical testing. Allele origin: germline.
Comment: The p.Q2825R variant (also known as c.8474A>G), located in coding exon 57 of the ATM gene, results from an A to G substitution at nucleotide position 8474. The glutamine at codon 2825 is replaced by arginine, an amino acid with highly similar properties. This amino acid position is not well conserved in available vertebrate species. In addition, this alteration is predicted to be tolerated by in silico analysis. Since supporting evidence is limited at this time, the clinical significance of this alteration remains unclear.

Color Diagnostics, LLC DBA Color Health
Classification: Uncertain significance for Hereditary cancer-predisposing syndrome. Last evaluated: 2023-12-05. Review status: criteria provided, single submitter. Criteria: ACMG Guidelines, 2015. Collection method: clinical testing. Allele origin: germline.
Comment: This missense variant replaces glutamine with arginine at codon 2825 of the ATM protein. Computational prediction suggests that this variant may not impact protein structure and function (internally defined REVEL score threshold <= 0.5, PMID: 27666373). To our knowledge, functional studies have not been reported for this variant. This variant has not been reported in individuals affected with ATM-related disorders in the literature. This variant has not been identified in the general population by the Genome Aggregation Database (gnomAD). The available evidence is insufficient to determine the role of this variant in disease conclusively. Therefore, this variant is classified as a Variant of Uncertain Significance.